The following is an entry in ClinVar:

NM_001113491.2(SEPTIN9):c.422A>G (p.Lys141Arg)

Gene: SEPTIN9 (septin 9; plus strand). Cytogenetic location: 17q25.3.
Variant type: single nucleotide variant.
Coding change: c.422A>G on transcript NM_001113491.2 (MANE Select); coding-DNA position 422, A replaced by G.
Protein change: p.Lys141Arg; replaces lysine 141 with arginine.
Molecular consequence: missense variant. On other transcripts: 5 prime UTR variant (2).
Genome position (GRCh38, 1-based): chr17:77,402,404, A>G. VCF-style: chr17-77402404-A-G. GRCh37 (hg19) VCF-style: chr17-75398486-A-G.
Other names: p.Lys123Arg; c.-71A>G (NM_001113492.2, NM_001113494.1); c.401A>G, p.Lys134Arg (NM_001113493.2); c.365A>G, p.Lys122Arg (NM_001293695.2); c.368A>G, p.Lys123Arg (NM_006640.5); short protein forms K122R, K123R, K134R, K141R.
Identifiers: ClinVar variation 2683793 (VCV002683793.1), dbSNP rs1396748657, ClinGen allele CA401206136.

ClinVar aggregate classification (germline): Uncertain significance (1 of 4 stars; one submission).

Allele frequency attached by ClinVar (database versions not stated): gnomAD exomes below 0.00001.
gnomAD v4.1: 1 of 1,611,406 alleles (0.000062%); highest among the groups gnomAD compares: South Asian, 0.0011%; no homozygotes.

Submission:

Mayo Clinic Laboratories, Mayo Clinic
Classification: Uncertain significance. Last evaluated: 2022-06-15. Review status: criteria provided, single submitter. Criteria: ACMG Guidelines, 2015. Collection method: clinical testing. Allele origin: germline. Observed: 1 variant allele.
Comment: BP4